The following is an entry in ClinVar:

ClinVar aggregate classification (germline): Uncertain significance (1 of 4 stars; one submission).

Conditions:
Tooth agenesis, selective, 4 (STHAG4). Also called: LATERAL INCISORS, ABSENCE OF; LATERAL INCISORS, PEGGED OR MISSING; SUCCEDANEOUS TEETH, AGENESIS OF; TOOTH AGENESIS, SELECTIVE, 4, WITH OR WITHOUT ECTODERMAL DYSPLASIA. Identifiers: Orphanet 99798, MedGen C1835492, MONDO:0007881, OMIM 150400. Disease mechanism: loss of function.
Odonto-onycho-dermal dysplasia. Identifiers: Orphanet 2721, MedGen C0796093, MONDO:0009773, OMIM 257980.

gnomAD v4.1: 59 of 1,613,998 alleles (0.0037%); highest among the groups gnomAD compares: South Asian, 0.0044%; no homozygotes.

Submission:

Labcorp Genetics (formerly Invitae), Labcorp
Classification: Uncertain significance for Tooth agenesis, selective, 4; Odonto-onycho-dermal dysplasia. Last evaluated: 2025-05-03. Review status: criteria provided, single submitter. Criteria: Invitae Variant Classification Sherloc (09022015). Collection method: clinical testing. Allele origin: germline.
Comment: This sequence change replaces arginine, which is basic and polar, with cysteine, which is neutral and slightly polar, at codon 48 of the WNT10A protein (p.Arg48Cys). This variant is present in population databases (rs774127616, gnomAD 0.006%). This variant has not been reported in the literature in individuals affected with WNT10A-related conditions. Invitae Evidence Modeling of protein sequence and biophysical properties (such as structural, functional, and spatial information, amino acid conservation, physicochemical variation, residue mobility, and thermodynamic stability) indicates that this missense variant is not expected to disrupt WNT10A protein function with a negative predictive value of 95%. In summary, the available evidence is currently insufficient to determine the role of this variant in disease. Therefore, it has been classified as a Variant of Uncertain Significance.

NM_025216.3(WNT10A):c.142C>T (p.Arg48Cys)

Gene: WNT10A (Wnt family member 10A; plus strand). Cytogenetic location: 2q35.
Variant type: single nucleotide variant.
Coding change: c.142C>T on transcript NM_025216.3 (MANE Select); coding-DNA position 142, C replaced by T.
Protein change: p.Arg48Cys; replaces arginine 48 with cysteine.
Molecular consequence: missense variant.
Genome position (GRCh38, 1-based): chr2:218,882,189, C>T. VCF-style: chr2-218882189-C-T. GRCh37 (hg19) VCF-style: chr2-219746911-C-T.
Other names: short protein forms R48C.
Identifiers: ClinVar variation 4783299 (VCV004783299.1).